The following is an entry in ClinVar:

ClinVar aggregate classification (germline): Pathogenic (1 of 4 stars; one submission).

Conditions:
Early-infantile DEE. Also called: Early infantile epileptic encephalopathy with suppression bursts; Early infantile epileptic encephalopathy; Ohtahara syndrome. Identifiers: Orphanet 1934, MedGen C0393706, MONDO:0800491.

Submission:

Labcorp Genetics (formerly Invitae), Labcorp
Classification: Pathogenic for Early-infantile DEE. Last evaluated: 2022-02-04. Review status: criteria provided, single submitter. Criteria: Invitae Variant Classification Sherloc (09022015). Collection method: clinical testing. Allele origin: germline.
Comment: For these reasons, this variant has been classified as Pathogenic. This variant disrupts the p.Asn416 amino acid residue in SCN1A. Other variant(s) that disrupt this residue have been observed in individuals with SCN1A-related conditions (PMID: 29314583, 31864146), which suggests that this may be a clinically significant amino acid residue. Advanced modeling of protein sequence and biophysical properties (such as structural, functional, and spatial information, amino acid conservation, physicochemical variation, residue mobility, and thermodynamic stability) performed at Invitae indicates that this missense variant is expected to disrupt SCN1A protein function. ClinVar contains an entry for this variant (Variation ID: 651325). This missense change has been observed in individual(s) with SCN1A-related infantile epileptic encephalopathy (Invitae). In at least one individual the variant was observed to be de novo. This variant is not present in population databases (gnomAD no frequency). This sequence change replaces asparagine, which is neutral and polar, with lysine, which is basic and polar, at codon 416 of the SCN1A protein (p.Asn416Lys).

Literature cited by the submitters: PubMed 29314583; PubMed 31864146.

NM_001165963.4(SCN1A):c.1248T>A (p.Asn416Lys)

Gene: SCN1A (sodium voltage-gated channel alpha subunit 1; minus strand). Cytogenetic location: 2q24.3.
Variant type: single nucleotide variant.
Coding change: c.1248T>A on transcript NM_001165963.4 (MANE Select); coding-DNA position 1248, T replaced by A.
Protein change: p.Asn416Lys; replaces asparagine 416 with lysine.
Molecular consequence: missense variant. On other transcripts: 5 prime UTR variant (1), non-coding transcript variant (1).
Genome position (GRCh38, 1-based): chr2:166,046,899, A>T on the plus strand (T>A on the coding strand, the complement: SCN1A is on the minus strand). VCF-style: chr2-166046899-A-T. GRCh37 (hg19) VCF-style: chr2-166903409-A-T.
Other names: c.1248T>A, p.Asn416Lys (NM_001165964.3, NM_001202435.3, NM_001353948.2 and 10 more transcripts); c.-1178T>A (NM_001353961.2); short protein forms N416K.
Identifiers: ClinVar variation 651325 (VCV000651325.9), dbSNP rs748267258, ClinGen allele CA349070889.